The following is an entry in ClinVar:

ClinVar aggregate classification (germline): Conflicting classifications of pathogenicity. Review status: criteria provided, conflicting classifications (1 of 4 stars). 7 submissions from 7 submitters: Likely pathogenic (1); Uncertain significance (5). 1 of the submissions does not count toward it. Last evaluated 2026-07-14.

Conditions:
Inborn genetic diseases. Identifiers: MedGen C0950123, MeSH D030342.
Galactosylceramide beta-galactosidase deficiency. Also called: GALACTOCEREBROSIDASE DEFICIENCY; GALC DEFICIENCY; GLOBOID CELL LEUKOENCEPHALOPATHY; Leukodystrophy, Globoid Cell; Krabbe Disease. Identifiers: Orphanet 487, MedGen C0023521, MONDO:0009499, OMIM 245200.

Allele frequency attached by ClinVar (database versions not stated): gnomAD exomes 0.00008; gnomAD 0.00036 and 0.00041; TOPMed 0.00042; 1000 Genomes Project 30x 0.00062; ESP Exome Variant Server 0.00085; ExAC 0.00012; 1000 Genomes Project 0.00040.

Submissions (7):

GeneDx
Classification: Uncertain significance. Last evaluated: 2026-07-14. Review status: criteria provided, single submitter. Criteria: GeneDx Variant Classification Process June 2021. Collection method: clinical testing. Allele origin: germline.
Comment: Reported previously in association with low GALC enzyme activity detected by newborn screening (PMID: 26795590); In silico analysis supports that this missense variant has a deleterious effect on protein structure/function; GALC activity measured in transfected COS cells displayed a mild reduction of enzyme activity (PMID: 27638593); This variant is associated with the following publications: (PMID: 27171547, 26795590, 34065072, 27638593)

Labcorp Genetics (formerly Invitae), Labcorp
Classification: Uncertain significance for Galactosylceramide beta-galactosidase deficiency. Last evaluated: 2024-10-16. Review status: criteria provided, single submitter. Criteria: Invitae Variant Classification Sherloc (09022015). Collection method: clinical testing. Allele origin: germline.
Comment: This sequence change replaces arginine, which is basic and polar, with cysteine, which is neutral and slightly polar, at codon 79 of the GALC protein (p.Arg79Cys). This variant is present in population databases (rs73312829, gnomAD 0.1%). This missense change has been observed in individual(s) with a positive newborn screening result for GALC-related disease (PMID: 26795590; internal data). ClinVar contains an entry for this variant (Variation ID: 655524). Invitae Evidence Modeling of protein sequence and biophysical properties (such as structural, functional, and spatial information, amino acid conservation, physicochemical variation, residue mobility, and thermodynamic stability) indicates that this missense variant is expected to disrupt GALC protein function with a positive predictive value of 95%. Experimental studies have shown that this missense change affects GALC function (PMID: 27638593). In summary, the available evidence is currently insufficient to determine the role of this variant in disease. Therefore, it has been classified as a Variant of Uncertain Significance.

Fulgent Genetics
Classification: Likely pathogenic for Galactosylceramide beta-galactosidase deficiency. Last evaluated: 2024-04-29. Review status: criteria provided, single submitter. Criteria: ACMG Guidelines, 2015. Collection method: clinical testing. Allele origin: germline.

Women's Health and Genetics/Laboratory Corporation of America, LabCorp
Classification: Uncertain significance. Last evaluated: 2023-12-07. Review status: criteria provided, single submitter. Criteria: LabCorp Variant Classification Summary - May 2015. Collection method: clinical testing. Allele origin: germline.
Comment: Variant summary: GALC c.235C>T (p.Arg79Cys) results in a non-conservative amino acid change located in the Glycosyl hydrolase family 59, catalytic domain (IPR049161) of the encoded protein sequence. Five of five in-silico tools predict a damaging effect of the variant on protein function. The variant allele was found at a frequency of 8e-05 in 249202 control chromosomes, predominantly at a frequency of 0.0009 within the African or African-American subpopulation in the gnomAD database. This frequency is not significantly higher than estimated for a pathogenic variant in GALC causing Krabbe Disease (8e-05 vs 0.0022), allowing no conclusion about variant significance. c.235C>T has been reported in the literature in individuals identified through newborn screening programs as having low GALC enzyme activity, suggesting they are at an increased risk of developing Krabbe Disease (e.g. Orsini_2016, Basheeruddin_2021). However, this variant has exclusively been reported in the literature in cis with the pseudodeficiency variant, c.1685T>C, p.I562T (legacy name c.1637T>C, p.I546T), complicating interpretations of pathogenicity. Therefore, these reports do not provide unequivocal conclusions about association of the variant with Krabbe Disease. An experimental study examining the impact of the variant on protein function found that it had approximately 45% enzyme activity compared to wild-type GALC, whereas when the variant was expressed in cis with the p.I562T variant, the resulting protein had only 10% activity versus the wild-type protein (e.g. Saavedra-Martiz_2016). This suggests that the variant may have a mild effect on enzyme activity in isolation, but the presence or absense of the pseudodefficiency variant may also be an important factor when considering its functional impact. The following publications have been ascertained in the context of this evaluation (PMID: 34065072, 26795590, 27638593, 27171547). Four submitters have cited clinical-significance assessments for this variant to ClinVar after 2014. All submitters classified the variant as uncertain significance. Based on the evidence outlined above, the variant was classified as VUS-possibly pathogenic.

Revvity Omics, Revvity
Classification: Uncertain significance. Last evaluated: 2023-04-03. Review status: criteria provided, single submitter. Criteria: ACMG Guidelines, 2015. Collection method: clinical testing. Allele origin: germline.

Ambry Genetics
Classification: Uncertain significance for Inborn genetic diseases. Last evaluated: 2021-04-28. Review status: criteria provided, single submitter. Criteria: Ambry Variant Classification Scheme 2023. Collection method: clinical testing. Allele origin: germline.

Natera, Inc.
Classification: Uncertain significance for Galactosylceramide beta-galactosidase deficiency. Last evaluated: 2020-09-16. Review status: no assertion criteria provided. Collection method: clinical testing. Allele origin: germline. Not counted in ClinVar's aggregate classification.

Literature cited by the submitters: PubMed 26795590 (cited by Labcorp Genetics (formerly Invitae), Labcorp and Women's Health and Genetics/Laboratory Corporation of America, LabCorp); PubMed 27638593 (cited by Labcorp Genetics (formerly Invitae), Labcorp and Women's Health and Genetics/Laboratory Corporation of America, LabCorp); PubMed 27171547 (cited by Women's Health and Genetics/Laboratory Corporation of America, LabCorp); PubMed 34065072 (cited by Women's Health and Genetics/Laboratory Corporation of America, LabCorp).

NM_000153.4(GALC):c.235C>T (p.Arg79Cys)

Gene: GALC (galactosylceramidase; minus strand). Cytogenetic location: 14q31.3.
Variant type: single nucleotide variant.
Coding change: c.235C>T on transcript NM_000153.4 (MANE Select); coding-DNA position 235, C replaced by T.
Protein change: p.Arg79Cys; replaces arginine 79 with cysteine.
Molecular consequence: missense variant. On other transcripts: intron variant (1).
Genome position (GRCh38, 1-based): chr14:87,988,484, G>A on the plus strand (C>T on the coding strand, the complement: GALC is on the minus strand). VCF-style: chr14-87988484-G-A. GRCh37 (hg19) VCF-style: chr14-88454828-G-A.
Other names: c.157C>T, p.Arg53Cys (NM_001201402.2); c.196-277C>T (NM_001201401.2); short protein forms R79C, R53C.
Identifiers: ClinVar variation 655524 (VCV000655524.13), dbSNP rs73312829, ClinGen allele CA7297457.